The following is an entry in ClinVar:

NM_138615.3(DHX30):c.229G>A (p.Val77Met)

Gene: DHX30 (DExH-box helicase 30; plus strand). Cytogenetic location: 3p21.31.
Variant type: single nucleotide variant.
Coding change: c.229G>A on transcript NM_138615.3 (MANE Select); coding-DNA position 229, G replaced by A.
Protein change: p.Val77Met; replaces valine 77 with methionine.
Molecular consequence: missense variant.
Genome position (GRCh38, 1-based): chr3:47,827,451, G>A. VCF-style: chr3-47827451-G-A. GRCh37 (hg19) VCF-style: chr3-47868941-G-A.
Other names: c.145G>A, p.Val49Met (NM_001330990.2); c.112G>A, p.Val38Met (NM_014966.4); short protein forms V38M, V49M, V77M.
Identifiers: ClinVar variation 4975641 (VCV004975641.1).
Genomic context (GRCh38, chr3:47,827,451, plus strand): 5'-CTCAACAGTGTGATTGGAAGAGCCCTCGGCATCTCACATGCAAAAGACAAACTAGTCTAC[G>A]TGCACACAAATGGACCGAAGAAAAAGGTAACTCTGCTGGTGGCAAGGAAAAACATTGGTA-3'
Protein context (NP_619520.1, residues 67-87): ISHAKDKLVY[Val77Met]HTNGPKKKKV

ClinVar aggregate classification (germline): Uncertain significance (1 of 4 stars; one submission).

gnomAD v4.1: 2 of 1,613,640 alleles (0.00012%); highest among the groups gnomAD compares: South Asian, 0.0011%; no homozygotes.

Submission:

GeneDx
Classification: Uncertain significance. Last evaluated: 2026-01-25. Review status: criteria provided, single submitter. Criteria: GeneDx Variant Classification Process June 2021. Collection method: clinical testing. Allele origin: germline.
Comment: Not observed at significant frequency in large population cohorts (gnomAD); In silico analysis suggests that this missense variant does not alter protein structure/function; Has not been previously published as pathogenic or benign to our knowledge